The following is an entry in ClinVar:

ClinVar aggregate classification (germline): Pathogenic (1 of 4 stars; one submission).

Conditions:
Marfan syndrome (MFS). Also called: MARFAN SYNDROME, TYPE I; Marfan syndrome type 1; Marfan's syndrome; Marfan syndrome, classic; FBN1-Related Marfan Syndrome. Identifiers: Orphanet 284963, Orphanet 558, MedGen C0024796, MONDO:0007947, OMIM 154700.
Familial thoracic aortic aneurysm and aortic dissection (TAAD). Also called: Thoracic aortic aneurysms and dissections. Identifiers: Orphanet 91387, MedGen C4707243, MONDO:0019625.

Submission:

Labcorp Genetics (formerly Invitae), Labcorp
Classification: Pathogenic for Marfan syndrome; Familial thoracic aortic aneurysm and aortic dissection. Last evaluated: 2023-08-28. Review status: criteria provided, single submitter. Criteria: Invitae Variant Classification Sherloc (09022015). Collection method: clinical testing. Allele origin: germline.
Comment: This variant is not present in population databases (gnomAD no frequency). For these reasons, this variant has been classified as Pathogenic. Advanced modeling of protein sequence and biophysical properties (such as structural, functional, and spatial information, amino acid conservation, physicochemical variation, residue mobility, and thermodynamic stability) performed at Invitae indicates that this missense variant is expected to disrupt FBN1 protein function. ClinVar contains an entry for this variant (Variation ID: 1458827). This missense change has been observed in individual(s) with Marfan syndrome (PMID: 19293843, 30087447). It has also been observed to segregate with disease in related individuals. This sequence change replaces glycine, which is neutral and non-polar, with arginine, which is basic and polar, at codon 544 of the FBN1 protein (p.Gly544Arg).

Literature cited by the submitters: PubMed 19293843; PubMed 30087447.

NM_000138.5(FBN1):c.1630G>C (p.Gly544Arg)

Gene: FBN1 (fibrillin 1; minus strand). Cytogenetic location: 15q21.1.
Variant type: single nucleotide variant.
Coding change: c.1630G>C on transcript NM_000138.5 (MANE Select); coding-DNA position 1630, G replaced by C.
Protein change: p.Gly544Arg; replaces glycine 544 with arginine.
Molecular consequence: missense variant.
Genome position (GRCh38, 1-based): chr15:48,510,128, C>G on the plus strand (G>C on the coding strand, the complement: FBN1 is on the minus strand). VCF-style: chr15-48510128-C-G. GRCh37 (hg19) VCF-style: chr15-48802325-C-G.
Other names: short protein forms G544R.
Identifiers: ClinVar variation 1458827 (VCV001458827.6), dbSNP rs1555400063, ClinGen allele CA392341227.